The following is an entry in ClinVar:

ClinVar aggregate classification (germline): Uncertain significance (1 of 4 stars; one submission).

Submission:

CeGaT Center for Human Genetics Tuebingen
Classification: Uncertain significance. Last evaluated: 2026-08-01. Review status: criteria provided, single submitter. Criteria: CeGaT Center For Human Genetics Tuebingen Variant Classification Criteria Version 2. Collection method: clinical testing. Allele origin: germline. Affected: yes. Observed: 1 variant allele.
Comment: GDAP1: PM2

NM_018972.4(GDAP1):c.1070A>G (p.Tyr357Cys)

Gene: GDAP1 (ganglioside induced differentiation associated protein 1; plus strand). Cytogenetic location: 8q21.11.
Variant type: single nucleotide variant.
Coding change: c.1070A>G on transcript NM_018972.4 (MANE Select); coding-DNA position 1070, A replaced by G.
Protein change: p.Tyr357Cys; replaces tyrosine 357 with cysteine.
Molecular consequence: missense variant. On other transcripts: intron variant (1).
Genome position (GRCh38, 1-based): chr8:74,364,360, A>G. VCF-style: chr8-74364360-A-G. GRCh37 (hg19) VCF-style: chr8-75276595-A-G.
Other names: c.866A>G, p.Tyr289Cys (NM_001040875.4); c.743A>G, p.Tyr248Cys (NM_001362929.2, NM_001362932.2); c.896A>G, p.Tyr299Cys (NM_001362930.2); c.694+1307A>G (NM_001362931.2); short protein forms Y248C, Y289C, Y299C, Y357C.
Identifiers: ClinVar variation 5038610 (VCV005038610.1).